The following is an entry in ClinVar:

NM_001458.5(FLNC):c.7318A>G (p.Ile2440Val)

Genes: FLNC-AS1 (FLNC antisense RNA 1; minus strand), FLNC (filamin C; plus strand). Cytogenetic location: 7q32.1.
Variant type: single nucleotide variant.
Coding change: c.7318A>G on transcript NM_001458.5 (MANE Select); coding-DNA position 7318, A replaced by G.
Protein change: p.Ile2440Val; replaces isoleucine 2440 with valine.
Molecular consequence: missense variant.
Genome position (GRCh38, 1-based): chr7:128,856,584, A>G. VCF-style: chr7-128856584-A-G. GRCh37 (hg19) VCF-style: chr7-128496638-A-G.
Other names: c.7219A>G, p.Ile2407Val (NM_001127487.2); short protein forms I2440V, I2407V.
Identifiers: ClinVar variation 2922735 (VCV002922735.3), dbSNP rs377464792, ClinGen allele CA369216755.

ClinVar aggregate classification (germline): Uncertain significance (1 of 4 stars; one submission).

Conditions:
Myofibrillar myopathy 5. Also called: FILAMINOPATHY, AUTOSOMAL DOMINANT; Filaminopathy (type). Identifiers: Orphanet 171445, MedGen C1836050, MONDO:0012289, OMIM 609524.
Hypertrophic cardiomyopathy 26. Also called: Cardiomyopathy, familial hypertrophic, 26. Identifiers: Orphanet 75249, MedGen C4310749, MONDO:0014883, OMIM 617047.
Distal myopathy with posterior leg and anterior hand involvement. Also called: WILLIAMS DISTAL MYOPATHY. Identifiers: Orphanet 63273, MedGen C3279722, MONDO:0013550, OMIM 614065.

gnomAD v4.1: 1 of 1,612,784 alleles (0.000062%); highest among the groups gnomAD compares: Non-Finnish European, 0.000085%; no homozygotes.

Submission:

Labcorp Genetics (formerly Invitae), Labcorp
Classification: Uncertain significance for Distal myopathy with posterior leg and anterior hand involvement; Myofibrillar myopathy 5; Hypertrophic cardiomyopathy 26. Last evaluated: 2024-01-31. Review status: criteria provided, single submitter. Criteria: Invitae Variant Classification Sherloc (09022015). Collection method: clinical testing. Allele origin: germline.
Comment: This sequence change replaces isoleucine, which is neutral and non-polar, with valine, which is neutral and non-polar, at codon 2440 of the FLNC protein (p.Ile2440Val). This variant is not present in population databases (gnomAD no frequency). This variant has not been reported in the literature in individuals affected with FLNC-related conditions. Advanced modeling of protein sequence and biophysical properties (such as structural, functional, and spatial information, amino acid conservation, physicochemical variation, residue mobility, and thermodynamic stability) performed at Invitae indicates that this missense variant is not expected to disrupt FLNC protein function with a negative predictive value of 95%. In summary, the available evidence is currently insufficient to determine the role of this variant in disease. Therefore, it has been classified as a Variant of Uncertain Significance.